The following is an entry in ClinVar:

NM_006158.5(NEFL):c.215A>C (p.Asp72Ala)

Gene: NEFL (neurofilament light chain; minus strand). Cytogenetic location: 8p21.2.
Variant type: single nucleotide variant.
Coding change: c.215A>C on transcript NM_006158.5 (MANE Select); coding-DNA position 215, A replaced by C.
Protein change: p.Asp72Ala; replaces aspartic acid 72 with alanine.
Molecular consequence: missense variant.
Genome position (GRCh38, 1-based): chr8:24,956,301, T>G on the plus strand (A>C on the coding strand, the complement: NEFL is on the minus strand). VCF-style: chr8-24956301-T-G. GRCh37 (hg19) VCF-style: chr8-24813815-T-G.
Other names: short protein forms D72A.
Identifiers: ClinVar variation 842474 (VCV000842474.6), dbSNP rs777547427, ClinGen allele CA4681537.

ClinVar aggregate classification (germline): Uncertain significance (1 of 4 stars; one submission).

Conditions:
Charcot-Marie-Tooth disease type 2E (CMT2E). Also called: CHARCOT-MARIE-TOOTH NEUROPATHY, TYPE 2E; CHARCOT-MARIE-TOOTH DISEASE, AXONAL, TYPE 2E. Identifiers: Orphanet 99939, MedGen C1843225, MONDO:0011894, OMIM 607684.

Allele frequency attached by ClinVar (database versions not stated): gnomAD exomes 0.00001 and 0.00004; ExAC 0.00009.
gnomAD v4.1: 9 of 1,610,676 alleles (0.00056%); highest among the groups gnomAD compares: Non-Finnish European, 0.00068%; no homozygotes.

Submission:

Labcorp Genetics (formerly Invitae), Labcorp
Classification: Uncertain significance for Charcot-Marie-Tooth disease type 2E. Last evaluated: 2022-09-01. Review status: criteria provided, single submitter. Criteria: Invitae Variant Classification Sherloc (09022015). Collection method: clinical testing. Allele origin: germline.
Comment: In summary, the available evidence is currently insufficient to determine the role of this variant in disease. Therefore, it has been classified as a Variant of Uncertain Significance. ClinVar contains an entry for this variant (Variation ID: 842474). This variant has not been reported in the literature in individuals affected with NEFL-related conditions. This variant is present in population databases (rs777547427, gnomAD 0.008%). This sequence change replaces aspartic acid, which is acidic and polar, with alanine, which is neutral and non-polar, at codon 72 of the NEFL protein (p.Asp72Ala).